The following is an entry in ClinVar:

NM_015910.7(WDPCP):c.924A>G (p.Val308=)

Gene: WDPCP (WD repeat containing planar cell polarity effector; minus strand). Cytogenetic location: 2p15.
Variant type: single nucleotide variant.
Coding change: c.924A>G on transcript NM_015910.7 (MANE Select); coding-DNA position 924, A replaced by G.
Protein change: p.Val308=; no amino-acid change (valine 308 retained).
Molecular consequence: synonymous variant. On other transcripts: non-coding transcript variant (3).
Genome position (GRCh38, 1-based): chr2:63,404,559, T>C on the plus strand (A>G on the coding strand, the complement: WDPCP is on the minus strand). VCF-style: chr2-63404559-T-C. GRCh37 (hg19) VCF-style: chr2-63631694-T-C.
Other names: c.447A>G, p.Val149= (NM_001042692.3); c.852A>G, p.Val284= (NM_001354044.2); c.924A>G, p.Val308= (NM_001354045.2).
Identifiers: ClinVar variation 696101 (VCV000696101.17), dbSNP rs201844706, ClinGen allele CA1682310.

ClinVar aggregate classification (germline): Conflicting classifications of pathogenicity. Review status: criteria provided, conflicting classifications (1 of 4 stars). 4 submissions from 4 submitters: Uncertain significance (1); Benign (1); Likely benign (1). 1 of the submissions does not count toward it. Last evaluated 2026-01-22.

Conditions:
Bardet-Biedl syndrome (BBS). Identifiers: Orphanet 110, MedGen C0752166, MONDO:0015229.
Bardet-Biedl syndrome 15 (BBS15). Identifiers: Orphanet 110, MedGen C3150127, MONDO:0014443, OMIM 615992.
WDPCP-related disorder. Also called: WDPCP-related condition.

Allele frequency attached by ClinVar (database versions not stated): gnomAD below 0.00001 and 0.00029; TOPMed 0.00002; gnomAD exomes 0.00026 and 0.00048; ExAC 0.00059; 1000 Genomes Project 0.00240; 1000 Genomes Project 30x 0.00265.
gnomAD v4.1: 420 of 1,613,822 alleles (0.026%); highest among the groups gnomAD compares: South Asian, 0.44%; 3 homozygotes.

Submissions (4):

Labcorp Genetics (formerly Invitae), Labcorp
Classification: Benign for Bardet-Biedl syndrome. Last evaluated: 2026-01-22. Review status: criteria provided, single submitter. Criteria: Invitae Variant Classification Sherloc (09022015). Collection method: clinical testing. Allele origin: germline.

Blueprint Genetics
Classification: Likely benign. Last evaluated: 2024-10-04. Review status: criteria provided, single submitter. Criteria: ACMG Guidelines, 2015. Collection method: clinical testing. Allele origin: germline.

Illumina Laboratory Services, Illumina
Classification: Uncertain significance for Bardet-Biedl syndrome 15. Last evaluated: 2018-01-12. Review status: criteria provided, single submitter. Criteria: ICSL Variant Classification Criteria 13 December 2019. Collection method: clinical testing. Allele origin: germline.

PreventionGenetics, part of Exact Sciences
Classification: Likely benign for WDPCP-related condition. Last evaluated: 2019-09-27. Review status: no assertion criteria provided. Collection method: clinical testing. Allele origin: germline. Not counted in ClinVar's aggregate classification.
Comment: This variant is classified as likely benign based on ACMG/AMP sequence variant interpretation guidelines (Richards et al. 2015 PMID: 25741868, with internal and published modifications).